The following is an entry in ClinVar:

ClinVar aggregate classification (germline): Uncertain significance (1 of 4 stars; one submission).

Conditions:
Cardiovascular phenotype. Identifiers: MedGen CN230736.

Allele frequency attached by ClinVar (database versions not stated): gnomAD exomes below 0.00001.
gnomAD v4.1: 1 of 1,562,034 alleles (0.000064%); highest among the groups gnomAD compares: Non-Finnish European, 0.000087%; no homozygotes.

Submission:

Ambry Genetics
Classification: Uncertain significance for Cardiovascular phenotype. Last evaluated: 2024-04-08. Review status: criteria provided, single submitter. Criteria: Ambry Variant Classification Scheme 2023. Collection method: clinical testing. Allele origin: germline.
Comment: The p.T327A variant (also known as c.979A>G), located in coding exon 11 of the TRDN gene, results from an A to G substitution at nucleotide position 979. The threonine at codon 327 is replaced by alanine, an amino acid with similar properties. This amino acid position is well conserved in available vertebrate species. In addition, this alteration is predicted to be tolerated by in silico analysis. Since supporting evidence is limited at this time, the clinical significance of this alteration remains unclear.

NM_006073.4(TRDN):c.979A>G (p.Thr327Ala)

Gene: TRDN (triadin; minus strand). Cytogenetic location: 6q22.31.
Variant type: single nucleotide variant.
Coding change: c.979A>G on transcript NM_006073.4 (MANE Select); coding-DNA position 979, A replaced by G.
Protein change: p.Thr327Ala; replaces threonine 327 with alanine.
Molecular consequence: missense variant.
Genome position (GRCh38, 1-based): chr6:123,438,956, T>C on the plus strand (A>G on the coding strand, the complement: TRDN is on the minus strand). VCF-style: chr6-123438956-T-C. GRCh37 (hg19) VCF-style: chr6-123760101-T-C.
Other names: c.979A>G, p.Thr327Ala (NM_001251987.2); c.919A>G, p.Thr307Ala (NM_001407315.1); short protein forms T327A, T307A.
Identifiers: ClinVar variation 1768216 (VCV001768216.3), dbSNP rs1583021690, ClinGen allele CA365566302.
Genomic context (GRCh38, chr6:123,438,956, plus strand): 5'-CATGGACACTAATTGATTTATGTGGTACATGGCTTTTAAATTTCCTACCTTTCTTTTTTG[T>C]TTCAGAAGTAACTTTCTTCTCAGCCTTCTTCTTTTCCCCTTCTTTTTCTAGAGAATACAT-3'
Protein context (NP_006064.2, residues 317-337): KKAEKKVTSE[Thr327Ala]KKKEKEDIKK